The following is an entry in ClinVar:

ClinVar aggregate classification (germline): Uncertain significance. Review status: criteria provided, multiple submitters, no conflicts (2 of 4 stars). 2 submissions from 2 submitters: Uncertain significance (2). Last evaluated 2025-08-28.

Conditions:
Mitochondrial DNA depletion syndrome, encephalomyopathic form with methylmalonic aciduria (MTDPS5). Also called: Mitochondrial encephalomyopathy aminoacidopathy; MITOCHONDRIAL DNA DEPLETION SYNDROME, ENCEPHALOMYOPATHIC FORM, WITH OR WITHOUT METHYLMALONIC ACIDURIA, AUTOSOMAL RECESSIVE, SUCLA2-RELATED; Mitochondrial DNA depletion syndrome 5 (encephalomyopathic with or without methylmalonic aciduria); SUCLA2-Related Mitochondrial DNA Depletion Syndrome, Encephalomyopathic Form with Methylmalonic Aciduria. Identifiers: Orphanet 1933, MedGen C5980207, MONDO:0012791, OMIM 612073.

Allele frequency attached by ClinVar (database versions not stated): TOPMed 0.00001.

Submissions (2):

Dasa
Classification: Uncertain significance. Last evaluated: 2025-08-28. Review status: criteria provided, single submitter. Criteria: DASA Assertion Criteria. Collection method: clinical testing. Allele origin: germline.
Comment: NM_003850.3(SUCLA2):c.721G>A (p.Val241Ile) is a missense variant that results in the substitution of valine with isoleucine. This variant is rare in population databases. Computational prediction algorithms are consistent with a benign effect. The currently available literature and clinical evidence are not sufficient to establish a definitive association between this variant and the reported condition. Therefore, this variant is classified as a variant of uncertain significance.

Labcorp Genetics (formerly Invitae), Labcorp
Classification: Uncertain significance for Mitochondrial DNA depletion syndrome, encephalomyopathic form with methylmalonic aciduria. Last evaluated: 2022-11-08. Review status: criteria provided, single submitter. Criteria: Invitae Variant Classification Sherloc (09022015). Collection method: clinical testing. Allele origin: germline.
Comment: This variant has not been reported in the literature in individuals affected with SUCLA2-related conditions. In summary, the available evidence is currently insufficient to determine the role of this variant in disease. Therefore, it has been classified as a Variant of Uncertain Significance. Advanced modeling of protein sequence and biophysical properties (such as structural, functional, and spatial information, amino acid conservation, physicochemical variation, residue mobility, and thermodynamic stability) performed at Invitae indicates that this missense variant is not expected to disrupt SUCLA2 protein function. This variant is not present in population databases (gnomAD no frequency). This sequence change replaces valine, which is neutral and non-polar, with isoleucine, which is neutral and non-polar, at codon 241 of the SUCLA2 protein (p.Val241Ile).

NM_003850.3(SUCLA2):c.721G>A (p.Val241Ile)

Gene: SUCLA2 (succinate-CoA ligase ADP-forming subunit beta; minus strand). Cytogenetic location: 13q14.2.
Variant type: single nucleotide variant.
Coding change: c.721G>A on transcript NM_003850.3 (MANE Select); coding-DNA position 721, G replaced by A.
Protein change: p.Val241Ile; replaces valine 241 with isoleucine.
Molecular consequence: missense variant.
Genome position (GRCh38, 1-based): chr13:47,968,676, C>T on the plus strand (G>A on the coding strand, the complement: SUCLA2 is on the minus strand). VCF-style: chr13-47968676-C-T. GRCh37 (hg19) VCF-style: chr13-48542811-C-T.
Other names: short protein forms V241I.
Identifiers: ClinVar variation 1937981 (VCV001937981.7), dbSNP rs1949937963, ClinGen allele CA388149213.